The following is an entry in ClinVar:

NM_014003.4(DHX38):c.881G>A (p.Arg294Gln)

Gene: DHX38 (DEAH-box helicase 38; plus strand). Cytogenetic location: 16q22.2.
Variant type: single nucleotide variant.
Coding change: c.881G>A on transcript NM_014003.4 (MANE Select); coding-DNA position 881, G replaced by A.
Protein change: p.Arg294Gln; replaces arginine 294 with glutamine.
Molecular consequence: missense variant.
Genome position (GRCh38, 1-based): chr16:72,099,043, G>A. VCF-style: chr16-72099043-G-A. GRCh37 (hg19) VCF-style: chr16-72132942-G-A.
Other names: short protein forms R294Q.
Identifiers: ClinVar variation 967794 (VCV000967794.8), dbSNP rs370793135, ClinGen allele CA8160107.

ClinVar aggregate classification (germline): Uncertain significance. Review status: criteria provided, multiple submitters, no conflicts (2 of 4 stars). 2 submissions from 2 submitters: Uncertain significance (2). Last evaluated 2025-08-20.

Allele frequency attached by ClinVar (database versions not stated): ExAC 0.00002; gnomAD 0.00002; TOPMed 0.00006; ESP Exome Variant Server 0.00008.
gnomAD v4.1: 182 of 1,612,390 alleles (0.011%); highest among the groups gnomAD compares: Middle Eastern, 0.021%; no homozygotes.

Submissions (2):

Ambry Genetics
Classification: Uncertain significance. Last evaluated: 2025-08-20. Review status: criteria provided, single submitter. Criteria: Ambry Variant Classification Scheme 2023. Collection method: clinical testing. Allele origin: germline.

Labcorp Genetics (formerly Invitae), Labcorp
Classification: Uncertain significance. Last evaluated: 2022-11-22. Review status: criteria provided, single submitter. Criteria: Invitae Variant Classification Sherloc (09022015). Collection method: clinical testing. Allele origin: germline.
Comment: In summary, the available evidence is currently insufficient to determine the role of this variant in disease. Therefore, it has been classified as a Variant of Uncertain Significance. Algorithms developed to predict the effect of missense changes on protein structure and function are either unavailable or do not agree on the potential impact of this missense change (SIFT: "Deleterious"; PolyPhen-2: "Benign"; Align-GVGD: "Class C0"). ClinVar contains an entry for this variant (Variation ID: 967794). This variant has not been reported in the literature in individuals affected with DHX38-related conditions. This variant is present in population databases (rs370793135, gnomAD 0.005%). This sequence change replaces arginine, which is basic and polar, with glutamine, which is neutral and polar, at codon 294 of the DHX38 protein (p.Arg294Gln).